The following is an entry in ClinVar:

NM_014927.5(CNKSR2):c.1525T>C (p.Tyr509His)

Gene: CNKSR2 (connector enhancer of kinase suppressor of Ras 2; plus strand). Cytogenetic location: Xp22.12.
Variant type: single nucleotide variant.
Coding change: c.1525T>C on transcript NM_014927.5 (MANE Select); coding-DNA position 1525, T replaced by C.
Protein change: p.Tyr509His; replaces tyrosine 509 with histidine.
Molecular consequence: missense variant.
Genome position (GRCh38, 1-based): chrX:21,563,369, T>C. VCF-style: chrX-21563369-T-C. GRCh37 (hg19) VCF-style: chrX-21581487-T-C.
Other names: c.1435T>C, p.Tyr479His (NM_001168647.3, NM_001330773.2); c.1525T>C, p.Tyr509His (NM_001168648.3); c.1378T>C, p.Tyr460His (NM_001168649.3, NM_001330770.2); c.1288T>C, p.Tyr430His (NM_001330771.2, NM_001330772.2); short protein forms Y430H, Y460H, Y479H, Y509H.
Identifiers: ClinVar variation 3392719 (VCV003392719.1).

ClinVar aggregate classification (germline): Uncertain significance (1 of 4 stars; one submission).

Submission:

GeneDx
Classification: Uncertain significance. Last evaluated: 2024-06-27. Review status: criteria provided, single submitter. Criteria: GeneDx Variant Classification Process June 2021. Collection method: clinical testing. Allele origin: germline. Affected: yes.
Comment: Not observed at significant frequency in large population cohorts (gnomAD); In silico analysis indicates that this missense variant does not alter protein structure/function; Has not been previously published as pathogenic or benign to our knowledge